The following is an entry in ClinVar:

ClinVar aggregate classification (germline): Uncertain significance (1 of 4 stars; one submission).

Allele frequency attached by ClinVar (database versions not stated): ExAC 0.00001; gnomAD 0.00001; gnomAD exomes 0.00001 and 0.00002; TOPMed 0.00002.

Submission:

Labcorp Genetics (formerly Invitae), Labcorp
Classification: Uncertain significance. Last evaluated: 2021-03-23. Review status: criteria provided, single submitter. Criteria: Invitae Variant Classification Sherloc (09022015). Collection method: clinical testing. Allele origin: germline.
Comment: In summary, the available evidence is currently insufficient to determine the role of this variant in disease. Therefore, it has been classified as a Variant of Uncertain Significance. Algorithms developed to predict the effect of missense changes on protein structure and function (SIFT, PolyPhen-2, Align-GVGD) all suggest that this variant is likely to be disruptive, but these predictions have not been confirmed by published functional studies and their clinical significance is uncertain. This variant has not been reported in the literature in individuals with RASGRP1-related conditions. This variant is present in population databases (rs752166771, ExAC 0.002%). This sequence change replaces arginine with cysteine at codon 265 of the RASGRP1 protein (p.Arg265Cys). The arginine residue is highly conserved and there is a large physicochemical difference between arginine and cysteine.

NM_005739.4(RASGRP1):c.793C>T (p.Arg265Cys)

Gene: RASGRP1 (RAS guanyl releasing protein 1; minus strand). Cytogenetic location: 15q14.
Variant type: single nucleotide variant.
Coding change: c.793C>T on transcript NM_005739.4 (MANE Select); coding-DNA position 793, C replaced by T.
Protein change: p.Arg265Cys; replaces arginine 265 with cysteine.
Molecular consequence: missense variant.
Genome position (GRCh38, 1-based): chr15:38,512,839, G>A on the plus strand (C>T on the coding strand, the complement: RASGRP1 is on the minus strand). VCF-style: chr15-38512839-G-A. GRCh37 (hg19) VCF-style: chr15-38805040-G-A.
Other names: c.793C>T, p.Arg265Cys (NM_001128602.2, NM_001306086.2); short protein forms R265C.
Identifiers: ClinVar variation 1489918 (VCV001489918.8), dbSNP rs752166771, ClinGen allele CA7471043.
Genomic context (GRCh38, chr15:38,512,839, plus strand): 5'-TCACCTGAGCCACCTGGATGAACTTGATGAAGACTTCTGCTCGGAGCTGCGGCGTGGGGC[G>A]GCTGAGAACCATCAGTTGTACCCACTGGGAGATGCCGTTGCACAGAGCAATAGATCGCTC-3'
Protein context (NP_005730.2, residues 255-275): SQWVQLMVLS[Arg265Cys]PTPQLRAEVF